The following is an entry in ClinVar:

ClinVar aggregate classification (germline): Conflicting classifications of pathogenicity. Review status: criteria provided, conflicting classifications (1 of 4 stars). 2 submissions from 2 submitters: Uncertain significance (1); Likely benign (1). Last evaluated 2025-11-22.

Conditions:
Candidiasis, familial, 9 (CANDF9). Identifiers: Orphanet 1334, MedGen C4225324, MONDO:0014642, OMIM 616445.

Allele frequency attached by ClinVar (database versions not stated): ExAC 0.00002.
gnomAD v4.1: 21 of 1,611,840 alleles (0.0013%); highest among the groups gnomAD compares: Admixed American, 0.0033%; no homozygotes.

Submissions (2):

Labcorp Genetics (formerly Invitae), Labcorp
Classification: Uncertain significance for Candidiasis, familial, 9. Last evaluated: 2025-11-22. Review status: criteria provided, single submitter. Criteria: Invitae Variant Classification Sherloc (09022015). Collection method: clinical testing. Allele origin: germline.
Comment: This sequence change replaces arginine, which is basic and polar, with glutamine, which is neutral and polar, at codon 757 of the IL17RC protein (p.Arg757Gln). This variant is present in population databases (rs771035296, gnomAD 0.009%). This variant has not been reported in the literature in individuals affected with IL17RC-related conditions. ClinVar contains an entry for this variant (Variation ID: 2201268). An algorithm developed to predict the effect of missense changes on protein structure and function outputs the following: PolyPhen-2: "Benign". The glutamine amino acid residue is found in multiple mammalian species, which suggests that this missense change does not adversely affect protein function. In summary, the available evidence is currently insufficient to determine the role of this variant in disease. Therefore, it has been classified as a Variant of Uncertain Significance.

Ambry Genetics
Classification: Likely benign. Last evaluated: 2024-05-10. Review status: criteria provided, single submitter. Criteria: Ambry Variant Classification Scheme 2023. Collection method: clinical testing. Allele origin: germline.

NM_153460.4(IL17RC):c.2057G>A (p.Arg686Gln)

Genes: IL17RC (interleukin 17 receptor C; plus strand), LOC129936144 (ATAC-STARR-seq lymphoblastoid silent region 14051; plus strand). Cytogenetic location: 3p25.3.
Variant type: single nucleotide variant.
Coding change: c.2057G>A on transcript NM_153460.4 (MANE Select); coding-DNA position 2057, G replaced by A.
Protein change: p.Arg686Gln; replaces arginine 686 with glutamine.
Molecular consequence: missense variant. On other transcripts: non-coding transcript variant (1).
Genome position (GRCh38, 1-based): chr3:9,933,487, G>A. VCF-style: chr3-9933487-G-A. GRCh37 (hg19) VCF-style: chr3-9975171-G-A.
Other names: c.2018G>A, p.Arg673Gln (NM_001203263.2); c.1967G>A, p.Arg656Gln (NM_001203264.2); c.1961G>A, p.Arg654Gln (NM_001203265.2); c.1979G>A, p.Arg660Gln (NM_001367278.1); c.1898G>A, p.Arg633Gln (NM_001367279.1); c.1973G>A, p.Arg658Gln (NM_001367280.1); c.1922G>A, p.Arg641Gln (NM_001410711.1); c.2012G>A, p.Arg671Gln (NM_032732.6); and 2 more; short protein forms R633Q, R658Q, R671Q, R686Q, R654Q, R656Q, R641Q, R660Q.
Identifiers: ClinVar variation 2201268 (VCV002201268.5), dbSNP rs771035296, ClinGen allele CA2247476.
Genomic context (GRCh38, chr3:9,933,487, plus strand): 5'-TGCAGCAGCCTCGCGCCCCGCGTTCCGGGCGGCTCCAAGAGAGAGCGGAGCAAGTGTCCC[G>A]GGCCCTTCAGCCAGCCCTGGATAGCTACTTCCATCCCCCGGGGACTCCCGCGCCGGGACG-3'
Protein context (NP_703190.2, residues 676-696): RLQERAEQVS[Arg686Gln]ALQPALDSYF